The following is an entry in ClinVar:

NM_000382.3(ALDH3A2):c.1309A>T (p.Lys437Ter)

Gene: ALDH3A2 (aldehyde dehydrogenase 3 family member A2; plus strand). Cytogenetic location: 17p11.2.
Variant type: single nucleotide variant.
Coding change: c.1309A>T on transcript NM_000382.3 (MANE Select); coding-DNA position 1309, A replaced by T.
Protein change: p.Lys437Ter; replaces lysine 437 with a stop codon.
Molecular consequence: nonsense. On other transcripts: intron variant (1).
Genome position (GRCh38, 1-based): chr17:19,671,822, A>T. VCF-style: chr17-19671822-A-T. GRCh37 (hg19) VCF-style: chr17-19575135-A-T.
Other names: c.1309A>T, p.Lys437Ter (NM_001031806.2, NM_001369136.1, NM_001369137.2 and 2 more transcripts); c.730A>T, p.Lys244Ter (NM_001369148.2); c.1208-3736A>T (NM_001369146.2); short protein forms K437*, K244*.
Identifiers: ClinVar variation 619024 (VCV000619024.6), dbSNP rs1567607328, ClinGen allele CA398710803.

ClinVar aggregate classification (germline): Pathogenic. Review status: criteria provided, multiple submitters, no conflicts (2 of 4 stars). 4 submissions from 4 submitters: Pathogenic (3). 1 of the submissions does not count toward it. Last evaluated 2025-12-03.

Conditions:
Sjögren-Larsson syndrome (SLS). Also called: FALDH DEFICIENCY; FATTY ALCOHOL:NAD+ OXIDOREDUCTASE DEFICIENCY; FATTY ALDEHYDE DEHYDROGENASE DEFICIENCY; ICHTHYOSIS, SPASTIC NEUROLOGIC DISORDER, AND OLIGOPHRENIA. Identifiers: Orphanet 816, MedGen C0037231, MONDO:0010031, OMIM 270200.

gnomAD v4.1: 1 of 1,614,224 alleles (0.000062%); no homozygotes.

Submissions (4):

Labcorp Genetics (formerly Invitae), Labcorp
Classification: Pathogenic. Last evaluated: 2025-12-03. Review status: criteria provided, single submitter. Criteria: Invitae Variant Classification Sherloc (09022015). Collection method: clinical testing. Allele origin: germline.
Comment: This sequence change creates a premature translational stop signal (p.Lys437*) in the ALDH3A2 gene. It is expected to result in an absent or disrupted protein product. Loss-of-function variants in ALDH3A2 are known to be pathogenic (PMID: 10577908, 10854114). This variant is not present in population databases (gnomAD no frequency). This premature translational stop signal has been observed in individual(s) with Sjogren-Larsson syndrome (PMID: 23034980). ClinVar contains an entry for this variant (Variation ID: 619024). Algorithms developed to predict the effect of sequence changes on RNA splicing suggest that this variant may disrupt the consensus splice site. For these reasons, this variant has been classified as Pathogenic.

Natera, Inc.
Classification: Pathogenic for Sjögren-Larsson syndrome. Last evaluated: 2025-08-04. Review status: criteria provided, single submitter. Criteria: Natera Variant Classification Schema (03/2026). Collection method: clinical testing. Allele origin: germline.
Comment: The c.1309A>T variant in ALDH3A2 is a nonsense variant predicted to introduce a stop codon at amino acid 437. This variant is expected to result in nonsense mediated decay, truncation, or a dysfunctional protein product. This variant is rare in the general population with a frequency below the threshold expected for the associated phenotype(s). This variant has been observed in one or more individuals affected with the associated recessive disease, as either homozygous or compound heterozygous with a second variant (PMID: 31475473). Given the available evidence, this variant is classified as Pathogenic.

GeneDx
Classification: Pathogenic. Last evaluated: 2018-10-25. Review status: criteria provided, single submitter. Criteria: GeneDx Variant Classification (06012015). Collection method: clinical testing. Allele origin: germline. Affected: yes.
Comment: The K437X variant in the ALDH3A2 gene has been reported previously in the homozygous state in two unrelated Honduran individuals with Sjogren-Larsson syndrome with varying disease severity (Davis et al., 2013). This variant is predicted to cause loss of normal protein function either through protein truncation or nonsense-mediated mRNA decay. The K437X variant is not observed in large population cohorts (Lek et al., 2016). We interpret K437X as a pathogenic variant.

Department of Rehabilitation Medicine, Incheon St. Mary’s Hospital, College of Medicine, The Catholic University of Korea
Classification: Pathogenic for Sjögren-Larsson syndrome. Last evaluated: 2019-02-11. Review status: no assertion criteria provided. Collection method: research. Allele origin: unknown. Inheritance: Autosomal recessive inheritance. Affected: yes. Observed: 1 compound heterozygote. Not counted in ClinVar's aggregate classification.

Literature cited by the submitters: PubMed 10577908 (cited by Labcorp Genetics (formerly Invitae), Labcorp); PubMed 10854114 (cited by Labcorp Genetics (formerly Invitae), Labcorp); PubMed 23034980 (cited by Labcorp Genetics (formerly Invitae), Labcorp); PubMed 31475473 (cited by Natera, Inc.).